The following is an entry in ClinVar:

ClinVar aggregate classification (germline): Likely benign (1 of 4 stars; one submission).

gnomAD v4.1: 116 of 1,614,204 alleles (0.0072%); highest among the groups gnomAD compares: East Asian, 0.16%; no homozygotes.

Submission:

CeGaT Center for Human Genetics Tuebingen
Classification: Likely benign. Last evaluated: 2026-06-01. Review status: criteria provided, single submitter. Criteria: CeGaT Center For Human Genetics Tuebingen Variant Classification Criteria Version 2. Collection method: clinical testing. Allele origin: germline. Affected: yes. Observed: 2 variant alleles.
Comment: TRIP12: BP4, BP7, BS1

NM_001348323.3(TRIP12):c.3429G>A (p.Ala1143=)

Gene: TRIP12 (thyroid hormone receptor interactor 12; minus strand). Cytogenetic location: 2q36.3.
Variant type: single nucleotide variant.
Coding change: c.3429G>A on transcript NM_001348323.3 (MANE Select); coding-DNA position 3429, G replaced by A.
Protein change: p.Ala1143=; no amino-acid change (alanine 1143 retained).
Molecular consequence: synonymous variant.
Genome position (GRCh38, 1-based): chr2:229,798,928, C>T on the plus strand (G>A on the coding strand, the complement: TRIP12 is on the minus strand). VCF-style: chr2-229798928-C-T. GRCh37 (hg19) VCF-style: chr2-230663644-C-T.
Other names: c.3348G>A, p.Ala1116= (NM_001284214.2, NM_001348315.2); c.3303G>A, p.Ala1101= (NM_001284215.2, NM_001348316.2, NM_001348317.1 and 1 more transcripts); c.2394G>A, p.Ala798= (NM_001284216.2); c.3429G>A, p.Ala1143= (NM_001348319.1, NM_001348320.2, NM_001348322.1 and 4 more transcripts); c.3432G>A, p.Ala1144= (NM_001348321.1, NM_001348328.1, NM_001348329.2 and 1 more transcripts); c.3222G>A, p.Ala1074= (NM_001348331.1); c.3342G>A, p.Ala1114= (NM_001348332.1); c.3351G>A, p.Ala1117= (NM_001348333.1); and 1 more.
Identifiers: ClinVar variation 3905325 (VCV003905325.10).